The following is an entry in ClinVar:

NM_001077418.3(TMEM231):c.72G>C (p.Ala24=)

Gene: TMEM231 (transmembrane protein 231; minus strand). Cytogenetic location: 16q23.1.
Variant type: single nucleotide variant.
Coding change: c.72G>C on transcript NM_001077418.3 (MANE Select); coding-DNA position 72, G replaced by C.
Protein change: p.Ala24=; no amino-acid change (alanine 24 retained).
Molecular consequence: synonymous variant. On other transcripts: missense variant (1), non-coding transcript variant (1).
Genome position (GRCh38, 1-based): chr16:75,556,138, C>G on the plus strand (G>C on the coding strand, the complement: TMEM231 is on the minus strand). VCF-style: chr16-75556138-C-G. GRCh37 (hg19) VCF-style: chr16-75590036-C-G.
Other names: c.134G>C, p.Arg45Pro (NM_001077416.2); short protein forms R45P.
Identifiers: ClinVar variation 1405303 (VCV001405303.4), dbSNP rs746685376, ClinGen allele CA8176308.

ClinVar aggregate classification (germline): Uncertain significance. Review status: criteria provided, multiple submitters, no conflicts (2 of 4 stars). 2 submissions from 2 submitters: Uncertain significance (2). Last evaluated 2024-12-11.

Conditions:
Meckel syndrome, type 11 (MKS11). Identifiers: Orphanet 564, MedGen C3809352, MONDO:0014164, OMIM 615397.
Joubert syndrome 20 (JBTS20). Identifiers: Orphanet 475, MedGen C3554235, MONDO:0013994, OMIM 614970.

Allele frequency attached by ClinVar (database versions not stated): gnomAD 0.00001; TOPMed 0.00002.

Submissions (2):

GeneDx
Classification: Uncertain significance. Last evaluated: 2024-12-11. Review status: criteria provided, single submitter. Criteria: GeneDx Variant Classification Process June 2021. Collection method: clinical testing. Allele origin: germline. Affected: yes.
Comment: Not observed at significant frequency in large population cohorts (gnomAD); In silico analysis indicates that this missense variant does not alter protein structure/function; Has not been previously published as pathogenic or benign to our knowledge

Labcorp Genetics (formerly Invitae), Labcorp
Classification: Uncertain significance for Joubert syndrome 20; Meckel syndrome, type 11. Last evaluated: 2022-07-19. Review status: criteria provided, single submitter. Criteria: Invitae Variant Classification Sherloc (09022015). Collection method: clinical testing. Allele origin: germline.
Comment: This sequence change replaces arginine, which is basic and polar, with proline, which is neutral and non-polar, at codon 45 of the TMEM231 protein (p.Arg45Pro). This variant is present in population databases (rs746685376, gnomAD 0.004%). This variant has not been reported in the literature in individuals affected with TMEM231-related conditions. ClinVar contains an entry for this variant (Variation ID: 1405303). Algorithms developed to predict the effect of missense changes on protein structure and function output the following: SIFT: "Tolerated"; PolyPhen-2: "Not Available"; Align-GVGD: "Class C0". The proline amino acid residue is found in multiple mammalian species, which suggests that this missense change does not adversely affect protein function. In summary, the available evidence is currently insufficient to determine the role of this variant in disease. Therefore, it has been classified as a Variant of Uncertain Significance.